The following is an entry in ClinVar:

ClinVar aggregate classification (germline): Likely benign. Review status: criteria provided, multiple submitters, no conflicts (2 of 4 stars). 2 submissions from 2 submitters: Likely benign (2). Last evaluated 2026-01-01.

Allele frequency attached by ClinVar (database versions not stated): ExAC 0.00005; TOPMed 0.00005; gnomAD 0.00007; gnomAD exomes 0.00010.

Submissions (2):

CeGaT Center for Human Genetics Tuebingen
Classification: Likely benign. Last evaluated: 2026-01-01. Review status: criteria provided, single submitter. Criteria: CeGaT Center For Human Genetics Tuebingen Variant Classification Criteria Version 2. Collection method: clinical testing. Allele origin: germline. Affected: yes. Observed: 1 variant allele.
Comment: DOCK6: BP4, BP7

Labcorp Genetics (formerly Invitae), Labcorp
Classification: Likely benign. Last evaluated: 2025-01-06. Review status: criteria provided, single submitter. Criteria: Invitae Variant Classification Sherloc (09022015). Collection method: clinical testing. Allele origin: germline.

NM_020812.4(DOCK6):c.4812C>T (p.Ala1604=)

Genes: DOCK6 (dedicator of cytokinesis 6; minus strand), DOCK6-AS1 (DOCK6 antisense RNA 1; plus strand). Cytogenetic location: 19p13.2.
Variant type: single nucleotide variant.
Coding change: c.4812C>T on transcript NM_020812.4 (MANE Select); coding-DNA position 4812, C replaced by T.
Protein change: p.Ala1604=; no amino-acid change (alanine 1604 retained).
Molecular consequence: synonymous variant.
Genome position (GRCh38, 1-based): chr19:11,209,043, G>A on the plus strand (C>T on the coding strand, the complement: DOCK6 is on the minus strand). VCF-style: chr19-11209043-G-A. GRCh37 (hg19) VCF-style: chr19-11319719-G-A.
Other names: c.4917C>T, p.Ala1639= (NM_001367830.1).
Identifiers: ClinVar variation 2416336 (VCV002416336.12), dbSNP rs760483821, ClinGen allele CA9206729.
Genomic context (GRCh38, chr19:11,209,043, plus strand): 5'-GGCCGCGTGCACCATGCACTGGGCGGCCTCGGCGTGGTTGCCCAGCTCCGCGTGCTTCCC[G>A]GCCATGTTCTGCAACCAGGTCAGCCGAAGGTCCGGTGAGCCCTGGTAGCCCCGGGCAATT-3'
Protein context (NP_065863.2, residues 1594-1614): DLRLTWLQNM[Ala1604=]GKHAELGNHA